The following is an entry in ClinVar:

NM_001267550.2(TTN):c.47457T>C (p.Thr15819=)

Genes: TTN (titin; minus strand), TTN-AS1 (TTN antisense RNA 1; plus strand). Cytogenetic location: 2q31.2.
Variant type: single nucleotide variant.
Coding change: c.47457T>C on transcript NM_001267550.2 (MANE Select); coding-DNA position 47457, T replaced by C.
Protein change: p.Thr15819=; no amino-acid change (threonine 15819 retained).
Molecular consequence: synonymous variant.
Genome position (GRCh38, 1-based): chr2:178,617,894, A>G on the plus strand (T>C on the coding strand, the complement: TTN is on the minus strand). VCF-style: chr2-178617894-A-G. GRCh37 (hg19) VCF-style: chr2-179482621-A-G.
Other names: c.20637T>C, p.Thr6879= (NM_133432.3); c.20838T>C, p.Thr6946= (NM_133437.4); c.42534T>C, p.Thr14178= (NM_001256850.1); c.20262T>C, p.Thr6754= (NM_003319.4); c.39753T>C, p.Thr13251= (NM_133378.4).
Identifiers: ClinVar variation 2934283 (VCV002934283.11), dbSNP rs2470876865, ClinGen allele CA430274042.

ClinVar aggregate classification (germline): Likely benign. Review status: criteria provided, multiple submitters, no conflicts (2 of 4 stars). 2 submissions from 2 submitters: Likely benign (2). Last evaluated 2025-07-01.

Conditions:
Dilated cardiomyopathy 1G (CMD1G). Identifiers: Orphanet 154, MedGen C1858763, MONDO:0011400, OMIM 604145.
Autosomal recessive limb-girdle muscular dystrophy type 2J (LGMDR10). Also called: Limb-girdle muscular dystrophy, type 2J; MUSCULAR DYSTROPHY, LIMB-GIRDLE, AUTOSOMAL RECESSIVE 10. Identifiers: Orphanet 140922, MedGen C1837342, MONDO:0012127, OMIM 608807.

Allele frequency attached by ClinVar (database versions not stated): gnomAD exomes below 0.00001.
gnomAD v4.1: 2 of 1,612,706 alleles (0.00012%); highest among the groups gnomAD compares: Non-Finnish European, 0.00017%; no homozygotes.

Submissions (2):

CeGaT Center for Human Genetics Tuebingen
Classification: Likely benign. Last evaluated: 2025-07-01. Review status: criteria provided, single submitter. Criteria: CeGaT Center For Human Genetics Tuebingen Variant Classification Criteria Version 2. Collection method: clinical testing. Allele origin: germline. Affected: yes. Observed: 1 variant allele.
Comment: TTN: BP4, BP7

Labcorp Genetics (formerly Invitae), Labcorp
Classification: Likely benign for Dilated cardiomyopathy 1G; Autosomal recessive limb-girdle muscular dystrophy type 2J. Last evaluated: 2023-03-26. Review status: criteria provided, single submitter. Criteria: Invitae Variant Classification Sherloc (09022015). Collection method: clinical testing. Allele origin: germline.